The following is an entry in ClinVar:

ClinVar aggregate classification (germline): Likely benign (1 of 4 stars; one submission).

Submission:

CeGaT Center for Human Genetics Tuebingen
Classification: Likely benign. Last evaluated: 2026-07-01. Review status: criteria provided, single submitter. Criteria: CeGaT Center For Human Genetics Tuebingen Variant Classification Criteria Version 2. Collection method: clinical testing. Allele origin: germline. Affected: yes. Observed: 2 variant alleles.
Comment: MUC4: PM2:Supporting, BP4, BP7

NM_018406.7(MUC4):c.11979A>T (p.Val3993=)

Gene: MUC4 (mucin 4, cell surface associated). Cytogenetic location: 3q29.
Variant type: single nucleotide variant.
Coding change: c.11979A>T on transcript NM_018406.7 (MANE Select); coding-DNA position 11979, A replaced by T.
Protein change: p.Val3993=; no amino-acid change (valine 3993 retained).
Molecular consequence: synonymous variant. On other transcripts: intron variant (2).
Genome position (GRCh38, 1-based): chr3:195,779,601, T>A on the plus strand (A>T on the coding strand, the complement: MUC4 is on the minus strand). VCF-style: chr3-195779601-T-A. GRCh37 (hg19) VCF-style: chr3-195506472-T-A.
Other names: c.83-5296A>T (NM_138297.5); c.83-1146A>T (NM_004532.6).
Identifiers: ClinVar variation 5039403 (VCV005039403.1).
Genomic context (GRCh38, chr3:195,779,601, plus strand): 5'-GTGACCTGTAGATACTGAGGAAGTGCTGGTGACAGGAAGAGGGGTGGCGTGACCTGTGGA[T>A]ACTGAGGAAGTGTCGGTGACAGGAAGGGGGGTGGCGTGACCTGTGGATGCTGAGGAACGG-3'
Protein context (NP_060876.5, residues 3983-4003): TPLPVTDTSS[Val3993=]STGHATPLPV